The following is an entry in ClinVar:

NM_004970.3(IGFALS):c.1772G>A (p.Gly591Glu)

Gene: IGFALS (insulin like growth factor binding protein acid labile subunit; minus strand). Cytogenetic location: 16p13.3.
Variant type: single nucleotide variant.
Coding change: c.1772G>A on transcript NM_004970.3 (MANE Select); coding-DNA position 1772, G replaced by A.
Protein change: p.Gly591Glu; replaces glycine 591 with glutamic acid.
Molecular consequence: missense variant. On other transcripts: non-coding transcript variant (1).
Genome position (GRCh38, 1-based): chr16:1,790,646, C>T on the plus strand (G>A on the coding strand, the complement: IGFALS is on the minus strand). VCF-style: chr16-1790646-C-T. GRCh37 (hg19) VCF-style: chr16-1840647-C-T.
Other names: c.1886G>A, p.Gly629Glu (NM_001146006.2); short protein forms G591E, G629E.
Identifiers: ClinVar variation 1302071 (VCV001302071.2), dbSNP rs2142010110, ClinGen allele CA394262839.

ClinVar aggregate classification (germline): Uncertain significance (1 of 4 stars; one submission).

Submission:

GeneDx
Classification: Uncertain significance. Last evaluated: 2019-05-01. Review status: criteria provided, single submitter. Criteria: GeneDx Variant Classification Process June 2021. Collection method: clinical testing. Allele origin: germline. Affected: yes.
Comment: Not observed in large population cohorts (Lek et al., 2016); In silico analysis, which includes protein predictors and evolutionary conservation, supports a deleterious effect; Has not been previously published as pathogenic or benign to our knowledge